The following is an entry in ClinVar:

ClinVar aggregate classification (germline): Conflicting classifications of pathogenicity. Review status: criteria provided, conflicting classifications (1 of 4 stars). 7 submissions from 7 submitters: Likely pathogenic (3); Uncertain significance (3). 1 of the submissions does not count toward it. Last evaluated 2026-04-16.

Conditions:
Pontocerebellar hypoplasia type 6 (PCH6). Identifiers: Orphanet 166073, MedGen C1969084, MONDO:0012683, OMIM 611523.
Pontoneocerebellar hypoplasia. Also called: Pontocerebellar hypoplasia; Non-syndromic pontocerebellar hypoplasia. Identifiers: Orphanet 98523, MedGen C1261175, MONDO:0020135.

Allele frequency attached by ClinVar (database versions not stated): ExAC 0.00002; gnomAD 0.00002; TOPMed 0.00006.
gnomAD v4.1: 60 of 1,613,912 alleles (0.0037%); highest among the groups gnomAD compares: African/African-American, 0.0053%; no homozygotes.

Submissions (7):

Women's Health and Genetics/Laboratory Corporation of America, LabCorp
Classification: Likely pathogenic for Pontoneocerebellar hypoplasia. Last evaluated: 2026-04-16. Review status: criteria provided, single submitter. Criteria: LabCorp Variant Classification Summary - May 2015. Collection method: clinical testing. Allele origin: germline.
Comment: Variant summary: RARS2 c.25A>G (p.Ile9Val) results in a conservative amino acid change in the encoded protein sequence. Algorithms developed to predict the effect of missense changes on protein structure and function all suggest that this variant is likely to be tolerated. The variant allele was found at a frequency of 2e-05 in 250340 control chromosomes, predominantly at a frequency of 0.00019 within the African or African-American subpopulation in the gnomAD database. c.25A>G has been observed in at least four compound heterozygous individuals affected with Pontocerebellar Hypoplasia, Type 6 (example: Cassandrini_2013, Chuan_2022, Zhao_2024). These data indicate that the variant is likely to be associated with disease. At least one publication reports experimental evidence evaluating an impact on protein function, however, does not allow convincing conclusions about the variant effect (example: Cassandrini_2013). The following publications have been ascertained in the context of this evaluation (PMID: 22569581, 35571021, 38009286). ClinVar contains an entry for this variant (Variation ID: 1806263). Based on the evidence outlined above, the variant was classified as likely pathogenic.

Natera, Inc.
Classification: Likely pathogenic for Pontocerebellar hypoplasia, type 6. Last evaluated: 2025-06-20. Review status: criteria provided, single submitter. Criteria: Natera Variant Classification Schema (03/2026). Collection method: clinical testing. Allele origin: germline.
Comment: The c.25A>G variant in RARS2 is a missense variant predicted to cause substitution of isoleucine to valine at amino acid 9. This variant is rare in the general population with a frequency below the threshold expected for the associated phenotype(s). This variant has been observed in one or more individuals affected with the associated recessive disease, as either homozygous or compound heterozygous with a second variant (PMID: 22569581, 38009286). Additionally, this variant has been observed to segregate in affected family members (PMID: 22569581). Multiple computational prediction algorithms suggest this variant is unlikely to affect gene or protein function. Given the available evidence, this variant is classified as Likely Pathogenic.

Baylor Genetics
Classification: Likely pathogenic for Pontocerebellar hypoplasia type 6. Last evaluated: 2024-03-02. Review status: criteria provided, single submitter. Criteria: ACMG Guidelines, 2015. Collection method: clinical testing. Allele origin: unknown.

Revvity Omics, Revvity
Classification: Uncertain significance for Pontocerebellar hypoplasia type 6. Last evaluated: 2021-04-15. Review status: criteria provided, single submitter. Criteria: ACMG Guidelines, 2015. Collection method: clinical testing. Allele origin: germline.

Victorian Clinical Genetics Services, Murdoch Childrens Research Institute
Classification: Uncertain significance for Pontocerebellar hypoplasia type 6. Last evaluated: 2019-08-28. Review status: criteria provided, single submitter. Criteria: ACMG Guidelines, 2015. Collection method: clinical testing. Allele origin: germline. Inheritance: Autosomal recessive inheritance. Affected: yes.
Comment: A heterozygous missense variant was identified, NM_020320.4(RARS2):c.25A>G in exon 1 of 20 of the RARS2 gene. This substitution is predicted to create a minor amino acid change from isoleucine to valine at position 9 of the protein, NP_064716.2(RARS2):p.(Ile9Val). The isoleucine at this position has very high conservation (100 vertebrates, UCSC), and is located within the transit peptide - Mitochondrion functional domain. In silico software predicts this variant to be benign (PolyPhen, SIFT, CADD, MutationTaster). The variant is present in the gnomAD population database at a frequency of 0.002% (5 heterozygotes, 0 homozygotes). An alternative residue change to threonine at the same location has also been reported in the gnomAD database at a frequency of 0.0004%. The variant has been previously reported in a compound heterozygous state as potentially pathogenic in two siblings with Pontocerebellar hypoplasia (Cassandrini, D. et al. (2013)). Based on information available at the time of curation, this variant has been classified as a VARIANT of UNCERTAIN SIGNIFICANCE (VUS) with POTENTIAL CLINICAL RELEVANCE.

Neuberg Centre For Genomic Medicine, NCGM
Classification: Uncertain significance for Pontocerebellar hypoplasia type 6. Review status: criteria provided, single submitter. Criteria: ACMG Guidelines, 2015. Collection method: clinical testing. Allele origin: germline. Inheritance: Autosomal recessive inheritance. Affected: yes.
Comment: The missense variant p.I9V in RARS2 (NM_020320.5) has been reported previously as one of the compound heterozygous variant in a patient with progressive pontocerebellar and cerebral cortical atrophy (Cassindrini et al, 2012). The p.I9V variant is observed in 3/15,916 (0.0188%) alleles from individuals of African background in gnomAD Exomes and is novel (not in any individuals) in 1000 Genomes. For these reasons, this variant has been classified as Uncertain Significance.

Neurology Department of Pediatrics, The Third Affiliated Hospital of Zhengzhou University
Classification: Likely pathogenic for Pontocerebellar hypoplasia type 6. Review status: no assertion criteria provided. Collection method: clinical testing. Allele origin: inherited. Inheritance: Autosomal recessive inheritance. Affected: yes. Not counted in ClinVar's aggregate classification.

Literature cited by the submitters: PubMed 22569581 (cited by Women's Health and Genetics/Laboratory Corporation of America, LabCorp and Natera, Inc.); PubMed 35571021 (cited by Women's Health and Genetics/Laboratory Corporation of America, LabCorp); PubMed 38009286 (cited by Women's Health and Genetics/Laboratory Corporation of America, LabCorp and Natera, Inc.).

NM_020320.5(RARS2):c.25A>G (p.Ile9Val)

Gene: RARS2 (arginyl-tRNA synthetase 2, mitochondrial; minus strand). Cytogenetic location: 6q15.
Variant type: single nucleotide variant.
Coding change: c.25A>G on transcript NM_020320.5 (MANE Select); coding-DNA position 25, A replaced by G.
Protein change: p.Ile9Val; replaces isoleucine 9 with valine.
Molecular consequence: missense variant. On other transcripts: 5 prime UTR variant (7), non-coding transcript variant (23).
Genome position (GRCh38, 1-based): chr6:87,589,933, T>C on the plus strand (A>G on the coding strand, the complement: RARS2 is on the minus strand). VCF-style: chr6-87589933-T-C. GRCh37 (hg19) VCF-style: chr6-88299651-T-C.
Other names: c.-666A>G (NM_001318785.2); c.25A>G, p.Ile9Val (NM_001350505.2); c.-722A>G (NM_001350506.2, NM_001350510.2); c.-845A>G (NM_001350507.2); c.-884A>G (NM_001350508.2); c.-592A>G (NM_001350509.2); c.-841A>G (NM_001350511.2); c.25A>G (NM_020320.3); short protein forms I9V.
Identifiers: ClinVar variation 1806263 (VCV001806263.10), dbSNP rs748335175, ClinGen allele CA3916842.